The following is an entry in ClinVar:

NM_000478.6(ALPL):c.945_947dup (p.Ala316_Ile317insAla)

Gene: ALPL (alkaline phosphatase, biomineralization associated; plus strand). Cytogenetic location: 1p36.12.
Variant type: Duplication.
Coding change: c.945_947dup on transcript NM_000478.6 (MANE Select); coding-DNA positions 945 to 947, 3 bases duplicated (GGC; older notation c.945_947dupGGC).
Protein change: p.Ala316_Ile317insAla.
Genome position (GRCh38, 1-based): chr1:21,573,747-21,573,749, GGC duplicated. VCF-style (leftmost placement, unchanged base first): chr1-21573746-T-TGGC. GRCh37 (hg19) VCF-style: chr1-21900239-T-TGGC.
Other names: c.780_782dup, p.Ala261_Ile262insAla (NM_001127501.4); c.714_716dup, p.Ala239_Ile240insAla (NM_001177520.3); c.945_947dup, p.Ala316_Ile317insAla (NM_001369803.2, NM_001369804.2, NM_001369805.2).
Identifiers: ClinVar variation 3670372 (VCV003670372.2).

ClinVar aggregate classification (germline): Uncertain significance (1 of 4 stars; one submission).

Submission:

Labcorp Genetics (formerly Invitae), Labcorp
Classification: Uncertain significance. Last evaluated: 2025-12-15. Review status: criteria provided, single submitter. Criteria: Invitae Variant Classification Sherloc (09022015). Collection method: clinical testing. Allele origin: germline.
Comment: This variant, c.945_947dup, results in the insertion of 1 amino acid(s) of the ALPL protein (p.Ala316dup), but otherwise preserves the integrity of the reading frame. This variant is not present in population databases (gnomAD no frequency). This variant has not been reported in the literature in individuals affected with ALPL-related conditions. ClinVar contains an entry for this variant (Variation ID: 3670372). In summary, the available evidence is currently insufficient to determine the role of this variant in disease. Therefore, it has been classified as a Variant of Uncertain Significance.